The following is an entry in ClinVar:

ClinVar aggregate classification (germline): Uncertain significance (1 of 4 stars; one submission).

Allele frequency attached by ClinVar (database versions not stated): gnomAD exomes below 0.00001; gnomAD 0.00001; TOPMed 0.00001.
gnomAD v4.1: 2 of 1,610,816 alleles (0.00012%); highest among the groups gnomAD compares: Admixed American, 0.0017%; no homozygotes.

Submission:

Labcorp Genetics (formerly Invitae), Labcorp
Classification: Uncertain significance. Last evaluated: 2021-07-09. Review status: criteria provided, single submitter. Criteria: Invitae Variant Classification Sherloc (09022015). Collection method: clinical testing. Allele origin: germline.
Comment: This sequence change replaces threonine with alanine at codon 559 of the GNPAT protein (p.Thr559Ala). The threonine residue is moderately conserved and there is a small physicochemical difference between threonine and alanine. This variant is not present in population databases (ExAC no frequency). This variant has not been reported in the literature in individuals affected with GNPAT-related conditions. Algorithms developed to predict the effect of missense changes on protein structure and function (SIFT, PolyPhen-2, Align-GVGD) all suggest that this variant is likely to be tolerated. In summary, the available evidence is currently insufficient to determine the role of this variant in disease. Therefore, it has been classified as a Variant of Uncertain Significance.

NM_014236.4(GNPAT):c.1675A>G (p.Thr559Ala)

Gene: GNPAT (glyceronephosphate O-acyltransferase; plus strand). Cytogenetic location: 1q42.2.
Variant type: single nucleotide variant.
Coding change: c.1675A>G on transcript NM_014236.4 (MANE Select); coding-DNA position 1675, A replaced by G.
Protein change: p.Thr559Ala; replaces threonine 559 with alanine.
Molecular consequence: missense variant.
Genome position (GRCh38, 1-based): chr1:231,273,994, A>G. VCF-style: chr1-231273994-A-G. GRCh37 (hg19) VCF-style: chr1-231409740-A-G.
Other names: c.1492A>G, p.Thr498Ala (NM_001316350.2); short protein forms T498A, T559A.
Identifiers: ClinVar variation 1518365 (VCV001518365.8), dbSNP rs1298468979, ClinGen allele CA345239325.